The following is an entry in ClinVar:

NM_183050.4(BCKDHB):c.831G>C (p.Trp277Cys)

Gene: BCKDHB (branched chain keto acid dehydrogenase E1 subunit beta; plus strand). Cytogenetic location: 6q14.1.
Variant type: single nucleotide variant.
Coding change: c.831G>C on transcript NM_183050.4 (MANE Select); coding-DNA position 831, G replaced by C.
Protein change: p.Trp277Cys; replaces tryptophan 277 with cysteine.
Molecular consequence: missense variant. On other transcripts: non-coding transcript variant (6).
Genome position (GRCh38, 1-based): chr6:80,201,022, G>C. VCF-style: chr6-80201022-G-C. GRCh37 (hg19) VCF-style: chr6-80910739-G-C.
Other names: c.831G>C, p.Trp277Cys (NM_001424041.1, NM_001424042.1, NM_001424044.1 and 7 more transcripts); c.621G>C, p.Trp207Cys (NM_001424043.1, NM_001318975.1); short protein forms W207C, W277C.
Identifiers: ClinVar variation 3251690 (VCV003251690.2), dbSNP rs1174121102.

ClinVar aggregate classification (germline): Conflicting classifications of pathogenicity. Review status: criteria provided, conflicting classifications (1 of 4 stars). 2 submissions from 2 submitters: Likely pathogenic (1); Uncertain significance (1). Last evaluated 2024-04-30.

Conditions:
Maple syrup urine disease type 1B (MSUD1B). Also called: MSUD type IB; MSUD type 3 (formerly); MSUD due to deficiency of e1-beta subunit of branched-chain alpha-keto acid dehydrogenase complex. Identifiers: MedGen C2930990, MONDO:0023692, OMIM 620698.

Allele frequency attached by ClinVar (database versions not stated): gnomAD 0.00001.
gnomAD v4.1: 2 of 1,607,718 alleles (0.00012%); highest among the groups gnomAD compares: Non-Finnish European, 0.00017%; no homozygotes.

Submissions (2):

Fulgent Genetics
Classification: Likely pathogenic for Maple syrup urine disease type 1B. Last evaluated: 2024-04-30. Review status: criteria provided, single submitter. Criteria: ACMG Guidelines, 2015. Collection method: clinical testing. Allele origin: germline.

Women's Health and Genetics/Laboratory Corporation of America, LabCorp
Classification: Uncertain significance. Last evaluated: 2024-04-25. Review status: criteria provided, single submitter. Criteria: LabCorp Variant Classification Summary - May 2015. Collection method: clinical testing. Allele origin: germline.
Comment: Variant summary: BCKDHB c.831G>C (p.Trp277Cys) results in a non-conservative amino acid change located in the Transketolase, C-terminal domain (IPR033248) of the encoded protein sequence. Five of five in-silico tools predict a damaging effect of the variant on protein function. The variant was absent in 250872 control chromosomes. The available data on variant occurrences in the general population are insufficient to allow any conclusion about variant significance. c.831G>C has been reported in the literature in individuals affected with Maple Syrup Urine Disease (Nellis_2003, Strauss_2020). These data do not allow any conclusion about variant significance. To our knowledge, no experimental evidence demonstrating an impact on protein function has been reported. The following publications have been ascertained in the context of this evaluation (PMID: 14567968, 31980395). No submitters have cited clinical-significance assessments for this variant to ClinVar. Based on the evidence outlined above, the variant was classified as uncertain significance.

Literature cited by the submitters: PubMed 14567968 (cited by Women's Health and Genetics/Laboratory Corporation of America, LabCorp); PubMed 31980395 (cited by Women's Health and Genetics/Laboratory Corporation of America, LabCorp).